The following is an entry in ClinVar:

ClinVar aggregate classification (germline): Uncertain significance (1 of 4 stars; one submission).

Conditions:
Vitamin D-dependent rickets type II with alopecia (VDDR2A). Also called: GENERALIZED RESISTANCE TO 1,25-DIHYDROXYVITAMIN D; HYPOCALCEMIC VITAMIN D-RESISTANT RICKETS; Vitamin D-dependent rickets, type 2A; PDDR IIA; PSEUDOVITAMIN D-DEFICIENCY, TYPE IIA; RICKETS, HEREDITARY VITAMIN D-RESISTANT. Identifiers: Orphanet 93160, MedGen C0342646, MONDO:0010186, OMIM 277440.

Submission:

Broad Center for Mendelian Genomics, Broad Institute of MIT and Harvard
Classification: Uncertain significance for Vitamin D-dependent rickets type II with alopecia. Last evaluated: 2018-06-15. Review status: criteria provided, single submitter. Criteria: ACMG Guidelines, 2015. Collection method: research. Allele origin: germline. Inheritance: Autosomal recessive inheritance. Affected: yes. Clinical features observed: Rickets, Congenital anomalies of the kidney and urinary tract.
Comment: The homozygous p.Cys126Phe variant was identified by our study in two siblings with vitamin D-dependent rickets. This variant was absent from large population studies. The Cysteine (Cys) at position 126 is highly conserved in mammals and evolutionarily distant species, raising the possibility that a change at this position may not be tolerated. Computational prediction tools suggest that this variant may impact the protein, though this information is not predictive enough to determine pathogenicity. In summary, the clinical significance of this variant is uncertain.

NM_000376.3(VDR):c.227G>T (p.Cys76Phe)

Gene: VDR (vitamin D receptor; minus strand). Cytogenetic location: 12q13.11.
Variant type: single nucleotide variant.
Coding change: c.227G>T on transcript NM_000376.3 (MANE Select); coding-DNA position 227, G replaced by T.
Protein change: p.Cys76Phe; replaces cysteine 76 with phenylalanine.
Molecular consequence: missense variant.
Genome position (GRCh38, 1-based): chr12:47,865,097, C>A on the plus strand (G>T on the coding strand, the complement: VDR is on the minus strand). VCF-style: chr12-47865097-C-A. GRCh37 (hg19) VCF-style: chr12-48258880-C-A.
Other names: c.227G>T, p.Cys76Phe (NM_001017535.2, NM_001364085.2, NM_001374661.1 and 1 more transcripts); c.377G>T, p.Cys126Phe (NM_001017536.2); short protein forms C76F, C126F.
Identifiers: ClinVar variation 635013 (VCV000635013.1), dbSNP rs1565618291, ClinGen allele CA384511446.